The following is an entry in ClinVar:

NM_020436.5(SALL4):c.646G>A (p.Glu216Lys)

Gene: SALL4 (spalt like transcription factor 4; minus strand). Cytogenetic location: 20q13.2.
Variant type: single nucleotide variant.
Coding change: c.646G>A on transcript NM_020436.5 (MANE Select); coding-DNA position 646, G replaced by A.
Protein change: p.Glu216Lys; replaces glutamic acid 216 with lysine.
Molecular consequence: missense variant.
Genome position (GRCh38, 1-based): chr20:51,791,837, C>T on the plus strand (G>A on the coding strand, the complement: SALL4 is on the minus strand). VCF-style: chr20-51791837-C-T. GRCh37 (hg19) VCF-style: chr20-50408376-C-T.
Other names: c.646G>A, p.Glu216Lys (NM_001318031.2); short protein forms E216K.
Identifiers: ClinVar variation 2238011 (VCV002238011.5), dbSNP rs45621331, ClinGen allele CA9912410.

ClinVar aggregate classification (germline): Uncertain significance. Review status: criteria provided, multiple submitters, no conflicts (2 of 4 stars). 2 submissions from 2 submitters: Uncertain significance (2). Last evaluated 2023-08-30.

Conditions:
Inborn genetic diseases. Identifiers: MedGen C0950123, MeSH D030342.
Duane-radial ray syndrome (DRRS). Also called: Duane-Radial Ray Syndrome/Okihiro Syndrome; ACRORENOOCULAR SYNDROME; DR SYNDROME; DUANE ANOMALY WITH RADIAL RAY ABNORMALITIES AND DEAFNESS; Okihiro Syndrome; Duane-Radial Ray Syndrome (DRRS) / Okihiro Syndrome. Identifiers: Orphanet 93293, Orphanet 959, MedGen C1623209, MONDO:0011812, OMIM 607323. Disease mechanism: gain of function.

Allele frequency attached by ClinVar (database versions not stated): gnomAD 0.00001; TOPMed 0.00002; 1000 Genomes Project 0.00020; 1000 Genomes Project 30x 0.00031.
gnomAD v4.1: 31 of 1,614,110 alleles (0.0019%); highest among the groups gnomAD compares: Non-Finnish European, 0.0026%; no homozygotes.

Submissions (2):

Labcorp Genetics (formerly Invitae), Labcorp
Classification: Uncertain significance for Duane-radial ray syndrome. Last evaluated: 2023-08-30. Review status: criteria provided, single submitter. Criteria: Invitae Variant Classification Sherloc (09022015). Collection method: clinical testing. Allele origin: germline.
Comment: This sequence change replaces glutamic acid, which is acidic and polar, with lysine, which is basic and polar, at codon 216 of the SALL4 protein (p.Glu216Lys). In summary, the available evidence is currently insufficient to determine the role of this variant in disease. Therefore, it has been classified as a Variant of Uncertain Significance. An algorithm developed to predict the effect of missense changes on protein structure and function (PolyPhen-2) suggests that this variant is likely to be disruptive. ClinVar contains an entry for this variant (Variation ID: 2238011). This variant has not been reported in the literature in individuals affected with SALL4-related conditions. This variant is present in population databases (rs45621331, gnomAD 0.007%).

Ambry Genetics
Classification: Uncertain significance for Inborn genetic diseases. Last evaluated: 2021-07-15. Review status: criteria provided, single submitter. Criteria: Ambry Variant Classification Scheme 2023. Collection method: clinical testing. Allele origin: germline.